The following is an entry in ClinVar:

ClinVar aggregate classification (germline): Uncertain significance. Review status: criteria provided, multiple submitters, no conflicts (2 of 4 stars). 2 submissions from 2 submitters: Uncertain significance (2). Last evaluated 2024-09-05.

Conditions:
PGM1-congenital disorder of glycosylation. Also called: Congenital disorder of glycosylation type 1t; PHOSPHOGLUCOMUTASE 1 DEFICIENCY; PGM1 DEFICIENCY; GSD XIV; CDG It; GLYCOGEN STORAGE DISEASE XIV. Identifiers: Orphanet 319646, MedGen C2752015, MONDO:0013968, OMIM 614921.

Allele frequency attached by ClinVar (database versions not stated): gnomAD exomes 0.00001.

Submissions (2):

Labcorp Genetics (formerly Invitae), Labcorp
Classification: Uncertain significance for PGM1-congenital disorder of glycosylation. Last evaluated: 2024-09-05. Review status: criteria provided, single submitter. Criteria: Invitae Variant Classification Sherloc (09022015). Collection method: clinical testing. Allele origin: germline.
Comment: This sequence change replaces valine, which is neutral and non-polar, with alanine, which is neutral and non-polar, at codon 310 of the PGM1 protein (p.Val310Ala). This variant is present in population databases (no rsID available, gnomAD 0.01%). This variant has not been reported in the literature in individuals affected with PGM1-related conditions. Invitae Evidence Modeling of protein sequence and biophysical properties (such as structural, functional, and spatial information, amino acid conservation, physicochemical variation, residue mobility, and thermodynamic stability) indicates that this missense variant is not expected to disrupt PGM1 protein function with a negative predictive value of 80%. In summary, the available evidence is currently insufficient to determine the role of this variant in disease. Therefore, it has been classified as a Variant of Uncertain Significance.

GeneDx
Classification: Uncertain significance. Last evaluated: 2024-08-13. Review status: criteria provided, single submitter. Criteria: GeneDx Variant Classification Process June 2021. Collection method: clinical testing. Allele origin: germline. Affected: yes.
Comment: Not observed at significant frequency in large population cohorts (gnomAD); In silico analysis supports that this missense variant has a deleterious effect on protein structure/function; Has not been previously published as pathogenic or benign to our knowledge

NM_002633.3(PGM1):c.929T>C (p.Val310Ala)

Gene: PGM1 (phosphoglucomutase 1; plus strand). Cytogenetic location: 1p31.3.
Variant type: single nucleotide variant.
Coding change: c.929T>C on transcript NM_002633.3 (MANE Select); coding-DNA position 929, T replaced by C.
Protein change: p.Val310Ala; replaces valine 310 with alanine.
Molecular consequence: missense variant.
Genome position (GRCh38, 1-based): chr1:63,636,289, T>C. VCF-style: chr1-63636289-T-C. GRCh37 (hg19) VCF-style: chr1-64101960-T-C.
Other names: c.983T>C, p.Val328Ala (NM_001172818.1); c.338T>C, p.Val113Ala (NM_001172819.2); c.929T>C (NM_002633.2); short protein forms V310A, V113A, V328A.
Identifiers: ClinVar variation 2887691 (VCV002887691.3), dbSNP rs369532292, ClinGen allele CA23823705.